The following is an entry in ClinVar:

ClinVar aggregate classification (germline): Likely benign. Review status: criteria provided, multiple submitters, no conflicts (2 of 4 stars). 2 submissions from 2 submitters: Likely benign (2). Last evaluated 2025-04-24.

Conditions:
Familial thoracic aortic aneurysm and aortic dissection (TAAD). Also called: Thoracic aortic aneurysms and dissections. Identifiers: Orphanet 91387, MedGen C4707243, MONDO:0019625.

Submissions (2):

Ambry Genetics
Classification: Likely benign for Familial thoracic aortic aneurysm and aortic dissection. Last evaluated: 2025-04-24. Review status: criteria provided, single submitter. Criteria: Ambry Variant Classification Scheme 2023. Collection method: clinical testing. Allele origin: germline.

Women's Health and Genetics/Laboratory Corporation of America, LabCorp
Classification: Likely benign. Last evaluated: 2023-10-23. Review status: criteria provided, single submitter. Criteria: LabCorp Variant Classification Summary - May 2015. Collection method: clinical testing. Allele origin: germline.
Comment: Variant summary: NOTCH1 c.2049G>C alters a non-conserved nucleotide resulting in a synonymous change. Consensus agreement among computation tools predict no significant impact on normal splicing. However, these predictions have yet to be confirmed by functional studies. The variant was absent in 244950 control chromosomes (gnomAD). The available data on variant occurrences in the general population are insufficient to allow any conclusion about variant significance. To our knowledge, no occurrence of c.2049G>C in individuals affected with Adams-Oliver Syndrome 5 and no experimental evidence demonstrating its impact on protein function have been reported. No submitters have cited clinical-significance assessments for this variant to ClinVar after 2014. Based on the evidence outlined above, the variant was classified as likely benign.

NM_017617.5(NOTCH1):c.2049G>C (p.Ala683=)

Gene: NOTCH1 (notch receptor 1; minus strand). Cytogenetic location: 9q34.3.
Variant type: single nucleotide variant.
Coding change: c.2049G>C on transcript NM_017617.5 (MANE Select); coding-DNA position 2049, G replaced by C.
Protein change: p.Ala683=; no amino-acid change (alanine 683 retained).
Molecular consequence: synonymous variant.
Genome position (GRCh38, 1-based): chr9:136,514,668, C>G on the plus strand (G>C on the coding strand, the complement: NOTCH1 is on the minus strand). VCF-style: chr9-136514668-C-G. GRCh37 (hg19) VCF-style: chr9-139409120-C-G.
Other names: c.2049G>C (NM_017617.3).
Identifiers: ClinVar variation 2637417 (VCV002637417.2), dbSNP rs61751553, ClinGen allele CA467717673.
Genomic context (GRCh38, chr9:136,514,668, plus strand): 5'-GCGGCAGGTGAAGCCATTGATGCCGTCCTCGCAGGTGCCCCCGTTGTGGCAGGGGTTGCC[C>G]GCACACTCATCGATGTTGATGTTACACATGCTCCCTAAGGGCAGGGCGGGTCAGACTCCG-3'
Protein context (NP_060087.3, residues 673-693): SMCNINIDEC[Ala683=]GNPCHNGGTC